The following is an entry in ClinVar:

NM_007294.4(BRCA1):c.2445dup (p.His816fs)

Gene: BRCA1 (BRCA1 DNA repair associated; minus strand). Cytogenetic location: 17q21.31.
Variant type: Duplication.
Coding change: c.2445dup on transcript NM_007294.4 (MANE Select); coding-DNA position 2445, one base duplicated (T; older notation c.2445dupT).
Protein change: p.His816fs; shifts the reading frame from histidine 816.
Molecular consequence: frameshift variant. On other transcripts: intron variant (137).
Genome position (GRCh38, 1-based): chr17:43,093,086, A duplicated on the plus strand (T on the coding strand, the reverse complement: BRCA1 is on the minus strand); the first of 2 consecutive A bases (chr17:43,093,086-43,093,087); duplicating either gives the same sequence. VCF-style (leftmost placement, unchanged base first): chr17-43093085-G-GA. GRCh37 (hg19) VCF-style: chr17-41245102-G-GA.
Other names: c.2445dupT (NM_007294.3); c.2445dup, p.His816fs (NM_001407594.1, NM_001407596.1, NM_001407597.1 and 30 more transcripts); c.2442dup, p.His815fs (NM_001407610.1, NM_001407611.1, NM_001407612.1 and 22 more transcripts); c.2436dup, p.His813fs (NM_001407646.1, NM_001407647.1); c.2322dup, p.His775fs (NM_001407648.1, NM_001407664.1, NM_001407665.1 and 19 more transcripts); c.2319dup, p.His774fs (NM_001407649.1, NM_001407670.1, NM_001407671.1 and 11 more transcripts); c.2367dup, p.His790fs (NM_001407653.1, NM_001407654.1, NM_001407655.1 and 4 more transcripts); c.2364dup, p.His789fs (NM_001407659.1, NM_001407660.1, NM_001407661.1 and 1 more transcripts); and 42 more; short protein forms H769fs, H816fs, H648fs, H688fs, H689fs, H745fs, H746fs, H748fs.
Identifiers: ClinVar variation 548226 (VCV000548226.3), dbSNP rs1555589652, ClinGen allele CA658824008.
Genomic context (GRCh38, chr17:43,093,085, plus strand): 5'-CATGTCCCAATGGATACTTAAAGCCTTCTGTGTCATTTCTATTATCTTTGGAACAACCAT[G>GA]AATTAGTCCCTTGGGGTTTTCAAATGCTGCACACTGACTCACACATTTATTTGGTTCTGT-3'

ClinVar aggregate classification (germline): Pathogenic (3 of 4 stars; one submission).

Conditions:
Breast-ovarian cancer, familial, susceptibility to, 1 (BROVCA1). Also called: BRCA1 Hereditary Breast and Ovarian Cancer; OVARIAN CANCER, SUSCEPTIBILITY TO. Identifiers: Orphanet 145, MedGen C2676676, MONDO:0011450, OMIM 604370. Disease mechanism: loss of function.

Submission:

Evidence-based Network for the Interpretation of Germline Mutant Alleles (ENIGMA)
Classification: Pathogenic for Breast-ovarian cancer, familial, susceptibility to, 1. Last evaluated: 2017-12-15. Review status: reviewed by expert panel. Criteria: ENIGMA BRCA1/2 Classification Criteria (2017-06-29). Collection method: curation. Allele origin: germline. Study: ENIGMA.
Comment: Variant allele predicted to encode a truncated non-functional protein.